The following is an entry in ClinVar:

NM_003872.3(NRP2):c.2575C>T (p.Pro859Ser)

Gene: NRP2 (neuropilin 2; plus strand). Cytogenetic location: 2q33.3.
Variant type: single nucleotide variant.
Coding change: c.2575C>T on transcript NM_003872.3 (MANE Select); coding-DNA position 2575, C replaced by T.
Protein change: p.Pro859Ser; replaces proline 859 with serine.
Molecular consequence: missense variant.
Genome position (GRCh38, 1-based): chr2:205,794,852, C>T. VCF-style: chr2-205794852-C-T. GRCh37 (hg19) VCF-style: chr2-206659576-C-T.
Other names: c.2590C>T, p.Pro864Ser (NM_201266.2); c.2524C>T, p.Pro842Ser (NM_201279.2); short protein forms P842S, P864S, P859S.
Identifiers: ClinVar variation 4986339 (VCV004986339.1).

ClinVar aggregate classification (germline): Uncertain significance (1 of 4 stars; one submission).

Conditions:
NRP2-related disorder. Also called: NRP2-related condition.

gnomAD v4.1: 1 of 1,614,206 alleles (0.000062%); highest among the groups gnomAD compares: Non-Finnish European, 0.000085%; no homozygotes.

Submission:

PreventionGenetics, part of Exact Sciences
Classification: Uncertain significance for NRP2-related condition. Last evaluated: 2026-01-26. Review status: criteria provided, single submitter. Criteria: ACMG Guidelines, 2015. Collection method: clinical testing. Allele origin: germline.
Comment: The NRP2 c.2590C>T variant is predicted to result in the amino acid substitution p.Pro864Ser. To our knowledge, this variant has not been reported in the literature or in a large population database (gnomAD), indicating this variant is rare. At this time, the clinical significance of this variant is uncertain due to the absence of conclusive functional and genetic evidence.